The following is an entry in ClinVar:

NM_000289.6(PFKM):c.867T>A (p.Tyr289Ter)

Gene: PFKM (phosphofructokinase, muscle; plus strand). Cytogenetic location: 12q13.11.
Variant type: single nucleotide variant.
Coding change: c.867T>A on transcript NM_000289.6 (MANE Select); coding-DNA position 867, T replaced by A.
Protein change: p.Tyr289Ter; replaces tyrosine 289 with a stop codon.
Molecular consequence: nonsense. On other transcripts: non-coding transcript variant (6), intron variant (1).
Genome position (GRCh38, 1-based): chr12:48,135,314, T>A. VCF-style: chr12-48135314-T-A. GRCh37 (hg19) VCF-style: chr12-48529097-T-A.
Other names: c.1080T>A, p.Tyr360Ter (NM_001166686.2, NM_001354737.1, NM_001354738.1 and 1 more transcripts); c.867T>A, p.Tyr289Ter (NM_001166687.2, NM_001166688.2, NM_001354742.2 and 3 more transcripts); c.1176T>A, p.Tyr392Ter (NM_001354735.1, NM_001354736.1); c.1011T>A, p.Tyr337Ter (NM_001354740.1); c.891T>A, p.Tyr297Ter (NM_001354741.2); c.780T>A, p.Tyr260Ter (NM_001354745.2); c.717T>A, p.Tyr239Ter (NM_001354747.2, NM_001354748.2); c.843+276T>A (NM_001363619.2); short protein forms Y239*, Y260*, Y289*, Y297*, Y337*, Y360*, Y392*.
Identifiers: ClinVar variation 1724264 (VCV001724264.2), dbSNP rs2498389929, ClinGen allele CA384545708.

ClinVar aggregate classification (germline): Likely pathogenic (1 of 4 stars; one submission).

Conditions:
Glycogen storage disease, type VII (GSD7). Also called: GSD VII; MUSCLE PHOSPHOFRUCTOKINASE DEFICIENCY; PFKM DEFICIENCY; TARUI DISEASE. Identifiers: Orphanet 371, MedGen C0017926, MONDO:0009295, OMIM 232800.

Submission:

Myriad Genetics, Inc.
Classification: Likely pathogenic for Glycogen storage disease, type VII. Last evaluated: 2022-02-02. Review status: criteria provided, single submitter. Criteria: Myriad Women's Health Autosomal Recessive and X-Linked Classification Criteria (2021). Collection method: clinical testing. Allele origin: unknown.
Comment: NM_001166686.1(PFKM):c.1080T>A(Y360*) is expected to be pathogenic in the context of glycogen storage disease type VII. This variant is predicted to lead to an abnormal or absent protein product due to the creation of a premature termination codon in PFKM, a gene where loss-of-function variants are known to be pathogenic. Please note: this variant was assessed in the context of healthy population screening.